The following is an entry in ClinVar:

ClinVar aggregate classification (germline): Uncertain significance (1 of 4 stars; one submission).

gnomAD v4.1: 1 of 1,613,270 alleles (0.000062%); highest among the groups gnomAD compares: African/African-American, 0.0013%; no homozygotes.

Submission:

Labcorp Genetics (formerly Invitae), Labcorp
Classification: Uncertain significance. Last evaluated: 2024-10-21. Review status: criteria provided, single submitter. Criteria: Invitae Variant Classification Sherloc (09022015). Collection method: clinical testing. Allele origin: germline.
Comment: This sequence change replaces serine, which is neutral and polar, with tyrosine, which is neutral and polar, at codon 266 of the IMPG1 protein (p.Ser266Tyr). This variant is present in population databases (no rsID available, gnomAD 0.007%). This variant has not been reported in the literature in individuals affected with IMPG1-related conditions. ClinVar contains an entry for this variant (Variation ID: 1520778). An algorithm developed to predict the effect of missense changes on protein structure and function (PolyPhen-2) suggests that this variant is likely to be disruptive. In summary, the available evidence is currently insufficient to determine the role of this variant in disease. Therefore, it has been classified as a Variant of Uncertain Significance.

NM_001563.4(IMPG1):c.797C>A (p.Ser266Tyr)

Gene: IMPG1 (interphotoreceptor matrix proteoglycan 1; minus strand). Cytogenetic location: 6q14.1.
Variant type: single nucleotide variant.
Coding change: c.797C>A on transcript NM_001563.4 (MANE Select); coding-DNA position 797, C replaced by A.
Protein change: p.Ser266Tyr; replaces serine 266 with tyrosine.
Molecular consequence: missense variant.
Genome position (GRCh38, 1-based): chr6:76,018,728, G>T on the plus strand (C>A on the coding strand, the complement: IMPG1 is on the minus strand). VCF-style: chr6-76018728-G-T. GRCh37 (hg19) VCF-style: chr6-76728445-G-T.
Other names: c.563C>A, p.Ser188Tyr (NM_001282368.2); short protein forms S188Y, S266Y.
Identifiers: ClinVar variation 1520778 (VCV001520778.6), dbSNP rs768761881, ClinGen allele CA364778663.
Genomic context (GRCh38, chr6:76,018,728, plus strand): 5'-ACCTCTCAGTCACAGCTTGAGGTGTGGTTGTATGGGCCGGGTCTACTCACCTGAAGTTGG[G>T]ACTTTCCTGCTAGCTCCTGGTAATATGGGGACTGGGAGTCAGCGAGCTCTGCCTTGAACT-3'
Protein context (NP_001554.2, residues 256-276): SPYYQELAGK[Ser266Tyr]QLQMQKIFKK